The following is an entry in ClinVar:

ClinVar aggregate classification (germline): Uncertain significance. Review status: criteria provided, multiple submitters, no conflicts (2 of 4 stars). 3 submissions from 3 submitters: Uncertain significance (3). Last evaluated 2024-01-16.

Conditions:
Inborn genetic diseases. Identifiers: MedGen C0950123, MeSH D030342.
Orofaciodigital syndrome type 6 (OFD6). Also called: Y-shaped central metacarpal and cerebellar defect; Joubert syndrome with orofacialdigital anomalies; OROFACIODIGITAL SYNDROME VI; OFDS VI; POLYDACTYLY, CLEFT LIP/PALATE OR LINGUAL LUMP, AND PSYCHOMOTOR RETARDATION; VARADI SYNDROME. Identifiers: Orphanet 2754, MedGen C2745997, MONDO:0010176, OMIM 277170.
Joubert syndrome 17 (JBTS17). Identifiers: Orphanet 475, MedGen C3553264, MONDO:0013824, OMIM 614615.

Allele frequency attached by ClinVar (database versions not stated): gnomAD 0.00001; gnomAD exomes 0.00004 and 0.00008; TOPMed 0.00006.
gnomAD v4.1: 21 of 1,545,438 alleles (0.0014%); highest among the groups gnomAD compares: Admixed American, 0.041%; no homozygotes.

Submissions (3):

Fulgent Genetics
Classification: Uncertain significance for Orofaciodigital syndrome type 6; Joubert syndrome 17. Last evaluated: 2024-01-16. Review status: criteria provided, single submitter. Criteria: ACMG Guidelines, 2015. Collection method: clinical testing. Allele origin: germline.

Labcorp Genetics (formerly Invitae), Labcorp
Classification: Uncertain significance. Last evaluated: 2022-07-30. Review status: criteria provided, single submitter. Criteria: Invitae Variant Classification Sherloc (09022015). Collection method: clinical testing. Allele origin: germline.
Comment: This sequence change replaces methionine, which is neutral and non-polar, with valine, which is neutral and non-polar, at codon 942 of the CPLANE1 protein (p.Met942Val). This variant is present in population databases (no rsID available, gnomAD 0.05%). This variant has not been reported in the literature in individuals affected with CPLANE1-related conditions. ClinVar contains an entry for this variant (Variation ID: 1376668). Algorithms developed to predict the effect of missense changes on protein structure and function are either unavailable or do not agree on the potential impact of this missense change (SIFT: "Deleterious"; PolyPhen-2: "Probably Damaging"; Align-GVGD: "Class C0"). In summary, the available evidence is currently insufficient to determine the role of this variant in disease. Therefore, it has been classified as a Variant of Uncertain Significance.

Ambry Genetics
Classification: Uncertain significance for Inborn genetic diseases. Last evaluated: 2021-05-18. Review status: criteria provided, single submitter. Criteria: Ambry Variant Classification Scheme 2023. Collection method: clinical testing. Allele origin: germline.
Comment: The c.2824A>G (p.M942V) alteration is located in exon 16 (coding exon 15) of the C5orf42 gene. This alteration results from a A to G substitution at nucleotide position 2824, causing the methionine (M) at amino acid position 942 to be replaced by a valine (V). The p.M942V alteration is predicted to be tolerated by in silico analysis. Based on insufficient or conflicting evidence, the clinical significance of this alteration remains unclear.

NM_001384732.1(CPLANE1):c.2824A>G (p.Met942Val)

Gene: CPLANE1 (ciliogenesis and planar polarity effector complex subunit 1; minus strand). Cytogenetic location: 5p13.2.
Variant type: single nucleotide variant.
Coding change: c.2824A>G on transcript NM_001384732.1 (MANE Select); coding-DNA position 2824, A replaced by G.
Protein change: p.Met942Val; replaces methionine 942 with valine.
Molecular consequence: missense variant.
Genome position (GRCh38, 1-based): chr5:37,213,655, T>C on the plus strand (A>G on the coding strand, the complement: CPLANE1 is on the minus strand). VCF-style: chr5-37213655-T-C. GRCh37 (hg19) VCF-style: chr5-37213757-T-C.
Other names: c.2824A>G, p.Met942Val (NM_023073.4); short protein forms M942V.
Identifiers: ClinVar variation 1376668 (VCV001376668.8), dbSNP rs918958290, ClinGen allele CA117047121.